The following is an entry in ClinVar:

NM_001370259.2(MEN1):c.517G>A (p.Val173Ile)

Gene: MEN1 (menin 1; minus strand). Cytogenetic location: 11q13.1.
Variant type: single nucleotide variant.
Coding change: c.517G>A on transcript NM_001370259.2 (MANE Select); coding-DNA position 517, G replaced by A.
Protein change: p.Val173Ile; replaces valine 173 with isoleucine.
Molecular consequence: missense variant. On other transcripts: non-coding transcript variant (4).
Genome position (GRCh38, 1-based): chr11:64,808,028, C>T on the plus strand (G>A on the coding strand, the complement: MEN1 is on the minus strand). VCF-style: chr11-64808028-C-T. GRCh37 (hg19) VCF-style: chr11-64575500-C-T.
Other names: c.532G>A, p.Val178Ile (NM_000244.4, NM_001407145.1, NM_001407150.1 and 5 more transcripts); c.517G>A, p.Val173Ile (NM_001370251.2, NM_001370260.2, NM_001370261.2 and 12 more transcripts); short protein forms V178I, V173I.
Identifiers: ClinVar variation 4053799 (VCV004053799.1).

ClinVar aggregate classification (germline): Uncertain significance (1 of 4 stars; one submission).

Conditions:
Hereditary cancer-predisposing syndrome. Also called: Neoplastic Syndromes, Hereditary; Tumor predisposition; Hereditary neoplastic syndrome; Hereditary Cancer Syndrome. Identifiers: Orphanet 140162, MedGen C0027672, MeSH D009386, MONDO:0015356.

Submission:

Ambry Genetics
Classification: Uncertain significance for Hereditary cancer-predisposing syndrome. Last evaluated: 2025-04-19. Review status: criteria provided, single submitter. Criteria: Ambry Variant Classification Scheme 2023. Collection method: clinical testing. Allele origin: germline.
Comment: The p.V173I variant (also known as c.517G>A), located in coding exon 2 of the MEN1 gene, results from a G to A substitution at nucleotide position 517. The valine at codon 173 is replaced by isoleucine, an amino acid with highly similar properties. This amino acid position is conserved. In addition, the in silico prediction for this alteration is inconclusive. Based on the available evidence, the clinical significance of this variant remains unclear.